The following is an entry in ClinVar:

NM_130839.5(UBE3A):c.1838G>T (p.Gly613Val)

Genes: SNHG14 (small nucleolar RNA host gene 14; plus strand), UBE3A (ubiquitin protein ligase E3A; minus strand). Cytogenetic location: 15q11.2.
Variant type: single nucleotide variant.
Coding change: c.1838G>T on transcript NM_130839.5 (MANE Select); coding-DNA position 1838, G replaced by T.
Protein change: p.Gly613Val; replaces glycine 613 with valine.
Molecular consequence: missense variant. On other transcripts: non-coding transcript variant (1).
Genome position (GRCh38, 1-based): chr15:25,356,812, C>A on the plus strand (G>T on the coding strand, the complement: UBE3A is on the minus strand). VCF-style: chr15-25356812-C-A. GRCh37 (hg19) VCF-style: chr15-25601959-C-A.
Other names: c.1778G>T, p.Gly593Val (NM_001354539.2, NM_001354540.2, NM_001354541.2 and 17 more transcripts); c.1838G>T, p.Gly613Val (NM_001354545.2, NM_001354505.1, NM_001354538.2); c.1661G>T, p.Gly554Val (NM_001354546.2); c.587G>T, p.Gly196Val (NM_001354550.2); c.527G>T, p.Gly176Val (NM_001354551.2); c.1847G>T, p.Gly616Val (NM_000462.5); short protein forms G176V, G196V, G554V, G593V, G613V, G616V.
Identifiers: ClinVar variation 1705558 (VCV001705558.1), dbSNP rs2552187396, ClinGen allele CA391352643.

ClinVar aggregate classification (germline): Uncertain significance (1 of 4 stars; one submission).

Conditions:
Angelman syndrome (AS). Also called: HAPPY PUPPET SYNDROME. Identifiers: Orphanet 72, MedGen C0162635, MONDO:0007113, OMIM 105830. Disease mechanism: loss of function. Inheritance: AS is caused by disruption of maternally imprinted UBE3A located within the 15q11.2-q13 Angelman syndrome/Prader-Willi syndrome (AS/PWS) region., imprinting disorder.

Submission:

3billion
Classification: Uncertain significance for Angelman syndrome. Last evaluated: 2022-09-01. Review status: criteria provided, single submitter. Criteria: ACMG Guidelines, 2015. Collection method: clinical testing. Allele origin: germline. Affected: yes. Observed: 1 heterozygote.
Comment: The variant is not observed in the gnomAD v2.1.1 dataset. In silico tool predictions suggest damaging effect of the variant on gene or gene product (REVEL: 0.97; 3Cnet: 1.00). A different missense change at the same codon (p.Gly613Arg) has been reported to be associated with UBE3A-related disorder (PMID: 31235931). However the evidence of pathogenicity is insufficient at this time. Therefore, this variant is classified as uncertain significance according to the recommendation of ACMG/AMP guideline.

Literature cited by the submitters: PubMed 31235931.